The following is an entry in ClinVar:

NM_000222.3(KIT):c.304G>A (p.Gly102Ser)

Gene: KIT (KIT proto-oncogene, receptor tyrosine kinase; plus strand). Cytogenetic location: 4q12.
Variant type: single nucleotide variant.
Coding change: c.304G>A on transcript NM_000222.3 (MANE Select); coding-DNA position 304, G replaced by A.
Protein change: p.Gly102Ser; replaces glycine 102 with serine.
Molecular consequence: missense variant.
Genome position (GRCh38, 1-based): chr4:54,695,748, G>A. VCF-style: chr4-54695748-G-A. GRCh37 (hg19) VCF-style: chr4-55561914-G-A.
Other names: c.304G>A, p.Gly102Ser (NM_001093772.2, NM_001385284.1, NM_001385285.1 and 4 more transcripts); short protein forms G102S.
Identifiers: ClinVar variation 458941 (VCV000458941.13), dbSNP rs769632130, ClinGen allele CA2923201.

ClinVar aggregate classification (germline): Conflicting classifications of pathogenicity. Review status: criteria provided, conflicting classifications (1 of 4 stars). 2 submissions from 2 submitters: Uncertain significance (1); Likely benign (1). Last evaluated 2025-12-08.

Conditions:
Gastrointestinal stromal tumor. Also called: Gastrointestinal stroma tumor; Gastrointestinal stromal tumor, somatic. Identifiers: Orphanet 44890, MedGen C0238198, MeSH D046152, MONDO:0011719, OMIM 606764, HP:0100723.
Hereditary cancer-predisposing syndrome. Also called: Tumor predisposition; Hereditary neoplastic syndrome; Neoplastic Syndromes, Hereditary; Hereditary Cancer Syndrome. Identifiers: Orphanet 140162, MedGen C0027672, MeSH D009386, MONDO:0015356.

Allele frequency attached by ClinVar (database versions not stated): gnomAD exomes below 0.00001 and 0.00002; ExAC 0.00001; TOPMed 0.00001.
gnomAD v4.1: 6 of 1,614,176 alleles (0.00037%); highest among the groups gnomAD compares: Admixed American, 0.0033%; no homozygotes.

Submissions (2):

Labcorp Genetics (formerly Invitae), Labcorp
Classification: Uncertain significance for Gastrointestinal stromal tumor. Last evaluated: 2025-12-08. Review status: criteria provided, single submitter. Criteria: Invitae Variant Classification Sherloc (09022015). Collection method: clinical testing. Allele origin: germline.
Comment: This sequence change replaces glycine, which is neutral and non-polar, with serine, which is neutral and polar, at codon 102 of the KIT protein (p.Gly102Ser). This variant is present in population databases (rs769632130, gnomAD 0.006%). This variant has not been reported in the literature in individuals affected with KIT-related conditions. ClinVar contains an entry for this variant (Variation ID: 458941). An algorithm developed to predict the effect of missense changes on protein structure and function (PolyPhen-2) suggests that this variant is likely to be tolerated. In summary, the available evidence is currently insufficient to determine the role of this variant in disease. Therefore, it has been classified as a Variant of Uncertain Significance.

Ambry Genetics
Classification: Likely benign for Hereditary cancer-predisposing syndrome. Last evaluated: 2025-02-04. Review status: criteria provided, single submitter. Criteria: Ambry Variant Classification Scheme 2023. Collection method: clinical testing. Allele origin: germline.